The following is an entry in ClinVar:

NM_001379029.1(CERT1):c.1110G>A (p.Lys370=)

Gene: CERT1 (ceramide transporter 1; minus strand). Cytogenetic location: 5q13.3.
Variant type: single nucleotide variant.
Coding change: c.1110G>A on transcript NM_001379029.1 (MANE Select); coding-DNA position 1110, G replaced by A.
Protein change: p.Lys370=; no amino-acid change (lysine 370 retained).
Molecular consequence: synonymous variant.
Genome position (GRCh38, 1-based): chr5:75,400,205, C>T on the plus strand (G>A on the coding strand, the complement: CERT1 is on the minus strand). VCF-style: chr5-75400205-C-T. GRCh37 (hg19) VCF-style: chr5-74696030-C-T.
Other names: c.1494G>A, p.Lys498= (NM_001130105.1); c.1110G>A, p.Lys370= (NM_001379002.1, NM_001379003.1, NM_001379004.1 and 2 more transcripts).
Identifiers: ClinVar variation 3645097 (VCV003645097.2).

ClinVar aggregate classification (germline): Uncertain significance (1 of 4 stars; one submission).

gnomAD v4.1: 1 of 1,600,386 alleles (0.000062%); highest among the groups gnomAD compares: Non-Finnish European, 0.000086%; no homozygotes.

Submission:

Labcorp Genetics (formerly Invitae), Labcorp
Classification: Uncertain significance. Last evaluated: 2024-09-28. Review status: criteria provided, single submitter. Criteria: Invitae Variant Classification Sherloc (09022015). Collection method: clinical testing. Allele origin: germline.
Comment: This sequence change affects codon 498 of the CERT1 mRNA. It is a 'silent' change, meaning that it does not change the encoded amino acid sequence of the CERT1 protein. This variant also falls at the last nucleotide of exon 11, which is part of the consensus splice site for this exon. This variant is not present in population databases (gnomAD no frequency). This variant has not been reported in the literature in individuals affected with CERT1-related conditions. Variants that disrupt the consensus splice site are a relatively common cause of aberrant splicing (PMID: 17576681, 9536098). Algorithms developed to predict the effect of sequence changes on RNA splicing suggest that this variant may disrupt the consensus splice site. In summary, the available evidence is currently insufficient to determine the role of this variant in disease. Therefore, it has been classified as a Variant of Uncertain Significance.

Literature cited by the submitters: PubMed 17576681; PubMed 9536098.